The following is an entry in ClinVar:

ClinVar aggregate classification (germline): Benign/Likely benign. Review status: criteria provided, multiple submitters, no conflicts (2 of 4 stars). 6 submissions from 6 submitters: Benign (5); Likely benign (1). Last evaluated 2026-01-28.

Conditions:
DPAGT1-congenital disorder of glycosylation. Also called: DPAGT1-CDG; CDG Ij; CONGENITAL DISORDER OF GLYCOSYLATION, TYPE Ij. Identifiers: Orphanet 86309, MedGen C2931004, MONDO:0011964, OMIM 608093.
Congenital myasthenic syndrome 13 (CMS13). Also called: Myasthenic syndrome, congenital, with tubular aggregates 2; Myasthenic syndrome, congenital, 13, with tubular aggregates. Identifiers: Orphanet 353327, Orphanet 590, MedGen C3553645, MONDO:0013883, OMIM 614750.

Allele frequency attached by ClinVar (database versions not stated): 1000 Genomes Project 0.00220; 1000 Genomes Project 30x 0.00250; ExAC 0.00785; gnomAD exomes 0.00787; gnomAD 0.00842 and 0.00859; TOPMed 0.00850; ESP Exome Variant Server 0.01039.
gnomAD v4.1: 22,257 of 1,613,696 alleles (1.4%); highest among the groups gnomAD compares: Non-Finnish European, 1.7%; 207 homozygotes.

Submissions (6):

Labcorp Genetics (formerly Invitae), Labcorp
Classification: Benign for Congenital myasthenic syndrome 13; DPAGT1-congenital disorder of glycosylation. Last evaluated: 2026-01-28. Review status: criteria provided, single submitter. Criteria: Invitae Variant Classification Sherloc (09022015). Collection method: clinical testing. Allele origin: germline.

CeGaT Center for Human Genetics Tuebingen
Classification: Benign. Last evaluated: 2023-04-01. Review status: criteria provided, single submitter. Criteria: CeGaT Center For Human Genetics Tuebingen Variant Classification Criteria Version 2. Collection method: clinical testing. Allele origin: germline. Affected: yes. Observed: 3 variant alleles.
Comment: DPAGT1: BS1, BS2

Fulgent Genetics
Classification: Likely benign for DPAGT1-congenital disorder of glycosylation; Congenital myasthenic syndrome 13. Last evaluated: 2021-11-23. Review status: criteria provided, single submitter. Criteria: ACMG Guidelines, 2015. Collection method: clinical testing. Allele origin: unknown.

GeneDx
Classification: Benign. Last evaluated: 2016-09-19. Review status: criteria provided, single submitter. Criteria: GeneDx Variant Classification (06012015). Collection method: clinical testing. Allele origin: germline. Affected: yes.
Comment: This variant is considered likely benign or benign based on one or more of the following criteria: it is a conservative change, it occurs at a poorly conserved position in the protein, it is predicted to be benign by multiple in silico algorithms, and/or has population frequency not consistent with disease.

Breakthrough Genomics
Classification: Benign. Review status: criteria provided, single submitter. Criteria: ACMG Guidelines, 2015. Collection method: not provided. Allele origin: germline. Inheritance: Autosomal recessive inheritance. Affected: yes.

PreventionGenetics, part of Exact Sciences
Classification: Benign. Review status: criteria provided, single submitter. Criteria: ACMG Guidelines, 2015. Collection method: clinical testing. Allele origin: germline.

NM_001382.4(DPAGT1):c.918-18G>A

Gene: DPAGT1 (dolichyl-phosphate N-acetylglucosaminephosphotransferase 1; minus strand). Cytogenetic location: 11q23.3.
Variant type: single nucleotide variant.
Coding change: c.918-18G>A on transcript NM_001382.4 (MANE Select); 18 bases into the intron before coding-DNA position 918, G replaced by A.
Molecular consequence: intron variant.
Genome position (GRCh38, 1-based): chr11:119,097,569, C>T on the plus strand (G>A on the coding strand, the complement: DPAGT1 is on the minus strand). VCF-style: chr11-119097569-C-T. GRCh37 (hg19) VCF-style: chr11-118968279-C-T.
Identifiers: ClinVar variation 258077 (VCV000258077.35), dbSNP rs145206990, ClinGen allele CA6314499.